The following is an entry in ClinVar:

NM_001918.5(DBT):c.947_950del (p.Ser316fs)

Gene: DBT (dihydrolipoamide branched chain transacylase E2; minus strand). Cytogenetic location: 1p21.2.
Variant type: Deletion.
Coding change: c.947_950del on transcript NM_001918.5 (MANE Select); coding-DNA positions 947 to 950, 4 bases deleted (CCTT; older notation c.947_950delCCTT).
Protein change: p.Ser316fs; shifts the reading frame from serine 316.
Molecular consequence: frameshift variant. On other transcripts: non-coding transcript variant (4).
Genome position (GRCh38, 1-based): chr1:100,210,761-100,210,764, AAGG deleted on the plus strand (CCTT on the coding strand, the reverse complement: DBT is on the minus strand); deleting any 4 consecutive bases within chr1:100,210,761-100,210,767 gives the same sequence; the c. name uses the placement nearest the transcript's 3' end. VCF-style (leftmost placement, unchanged base first): chr1-100210760-CAAGG-C. GRCh37 (hg19) VCF-style: chr1-100676316-CAAGG-C.
Other names: c.404_407del, p.Ser135fs (NM_001399969.1, NM_001399972.1); short protein forms S316fs, S135fs.
Identifiers: ClinVar variation 2852195 (VCV002852195.3), dbSNP rs2524127154, ClinGen allele CA2739275176.

ClinVar aggregate classification (germline): Pathogenic (1 of 4 stars; one submission).

Conditions:
Maple syrup urine disease (MSUD). Identifiers: Orphanet 511, MedGen C0024776, MeSH D008375, MONDO:0009563. Disease mechanism: loss of function.

Submission:

Labcorp Genetics (formerly Invitae), Labcorp
Classification: Pathogenic for Maple syrup urine disease. Last evaluated: 2023-04-06. Review status: criteria provided, single submitter. Criteria: Invitae Variant Classification Sherloc (09022015). Collection method: clinical testing. Allele origin: germline.
Comment: This sequence change creates a premature translational stop signal (p.Ser316Trpfs*20) in the DBT gene. It is expected to result in an absent or disrupted protein product. Loss-of-function variants in DBT are known to be pathogenic (PMID: 16579849, 16786533). This variant is not present in population databases (gnomAD no frequency). This variant has not been reported in the literature in individuals affected with DBT-related conditions. For these reasons, this variant has been classified as Pathogenic.

Literature cited by the submitters: PubMed 16579849; PubMed 16786533.